The following is an entry in ClinVar:

ClinVar aggregate classification (germline): Pathogenic. Review status: criteria provided, multiple submitters, no conflicts (2 of 4 stars). 2 submissions from 2 submitters: Pathogenic (2). Last evaluated 2025-03-10.

Conditions:
Oculocutaneous albinism. Identifiers: Orphanet 55, MedGen C0078918, MONDO:0018910.
Oculocutaneous albinism type 1A (OCA1A). Also called: Albinism, oculocutaneous, type IA. Identifiers: Orphanet 352731, Orphanet 79431, MedGen C4551504, MONDO:0008745, OMIM 203100. Disease mechanism: loss of function.
Oculocutaneous albinism type 1B (OCA1B). Also called: ALBINISM, OCULOCUTANEOUS, TYPE IB; ALBINISM, YELLOW MUTANT TYPE; YELLOW ALBINISM. Identifiers: Orphanet 352731, Orphanet 352737, Orphanet 79434, MedGen C1847024, MONDO:0011749, OMIM 606952.

Submissions (2):

Women's Health and Genetics/Laboratory Corporation of America, LabCorp
Classification: Pathogenic for Oculocutaneous albinism. Last evaluated: 2025-03-10. Review status: criteria provided, single submitter. Criteria: LabCorp Variant Classification Summary - May 2015. Collection method: clinical testing. Allele origin: germline.
Comment: Variant summary: TYR c.115T>C (p.Trp39Arg) results in a non-conservative amino acid change in the encoded protein sequence. Five of five in-silico tools predict a damaging effect of the variant on protein function. The variant was absent in 251450 control chromosomes (gnomAD). c.115T>C has been reported in the literature in multiple individuals affected with Oculocutaneous Albinism (e.g. Wei_2010, Thuong_2022, Wei_2022). These data indicate that the variant is very likely to be associated with disease. The following publications have been ascertained in the context of this evaluation (PMID: 19865097, 35870188, 34838614). No submitters have cited clinical-significance assessments for this variant to ClinVar. Based on the evidence outlined above, the variant was classified as pathogenic.

Juno Genomics, Hangzhou Juno Genomics, Inc
Classification: Pathogenic for Oculocutaneous albinism type 1A; Oculocutaneous albinism type 1B. Review status: criteria provided, single submitter. Criteria: ACMG Guidelines, 2015. Collection method: clinical testing. Allele origin: germline.
Comment: Absent from controls (or at extremely low frequency if recessive) in Genome Aggregation Database.;Multiple lines of computational evidence support a deleterious effect on the gene or gene product.;For recessive disorders, detected in trans with a pathogenic variant.;Patient's phenotype or family history is highly specific for a disease with a single genetic etiology.;Co-segregation with disease in multiple affected family members.

Literature cited by the submitters: PubMed 19865097 (cited by Women's Health and Genetics/Laboratory Corporation of America, LabCorp); PubMed 34838614 (cited by Women's Health and Genetics/Laboratory Corporation of America, LabCorp); PubMed 35870188 (cited by Women's Health and Genetics/Laboratory Corporation of America, LabCorp).

NM_000372.5(TYR):c.115T>C (p.Trp39Arg)

Gene: TYR (tyrosinase; plus strand). Cytogenetic location: 11q14.3.
Variant type: single nucleotide variant.
Coding change: c.115T>C on transcript NM_000372.5 (MANE Select); coding-DNA position 115, T replaced by C.
Protein change: p.Trp39Arg; replaces tryptophan 39 with arginine.
Molecular consequence: missense variant.
Genome position (GRCh38, 1-based): chr11:89,178,068, T>C. VCF-style: chr11-89178068-T-C. GRCh37 (hg19) VCF-style: chr11-88911236-T-C.
Other names: short protein forms W39R.
Identifiers: ClinVar variation 3895760 (VCV003895760.3).